The following is an entry in ClinVar:

NM_024675.4(PALB2):c.1145G>A (p.Ser382Asn)

Gene: PALB2 (partner and localizer of BRCA2; minus strand). Cytogenetic location: 16p12.2.
Variant type: single nucleotide variant.
Coding change: c.1145G>A on transcript NM_024675.4 (MANE Select); coding-DNA position 1145, G replaced by A.
Protein change: p.Ser382Asn; replaces serine 382 with asparagine.
Molecular consequence: missense variant.
Genome position (GRCh38, 1-based): chr16:23,635,401, C>T on the plus strand (G>A on the coding strand, the complement: PALB2 is on the minus strand). VCF-style: chr16-23635401-C-T. GRCh37 (hg19) VCF-style: chr16-23646722-C-T.
Other names: c.1085G>A, p.Ser362Asn (NM_001407296.1); c.1145G>A, p.Ser382Asn (NM_001407297.1, NM_001407298.1, NM_001407299.1 and 3 more transcripts); c.260G>A, p.Ser87Asn (NM_001407304.1, NM_001407305.1, NM_001407306.1 and 5 more transcripts); short protein forms S87N, S362N, S382N.
Identifiers: ClinVar variation 1732388 (VCV001732388.2), dbSNP rs515726063, ClinGen allele CA395133571.

ClinVar aggregate classification (germline): Uncertain significance (1 of 4 stars; one submission).

Conditions:
Hereditary cancer-predisposing syndrome. Also called: Neoplastic Syndromes, Hereditary; Tumor predisposition; Hereditary Cancer Syndrome; Hereditary neoplastic syndrome. Identifiers: Orphanet 140162, MedGen C0027672, MeSH D009386, MONDO:0015356.

Submission:

Ambry Genetics
Classification: Uncertain significance for Hereditary cancer-predisposing syndrome. Last evaluated: 2022-06-23. Review status: criteria provided, single submitter. Criteria: Ambry Variant Classification Scheme 2023. Collection method: clinical testing. Allele origin: germline.
Comment: The p.S382N variant (also known as c.1145G>A), located in coding exon 4 of the PALB2 gene, results from a G to A substitution at nucleotide position 1145. The serine at codon 382 is replaced by asparagine, an amino acid with highly similar properties. This amino acid position is conserved. In addition, this alteration is predicted to be tolerated by in silico analysis. Since supporting evidence is limited at this time, the clinical significance of this alteration remains unclear.